The following is an entry in ClinVar:

NM_000091.5(COL4A3):c.1576-15T>G

Genes: COL4A3 (collagen type IV alpha 3 chain; plus strand), MFF-DT (MFF divergent transcript; minus strand). Cytogenetic location: 2q36.3.
Variant type: single nucleotide variant.
Coding change: c.1576-15T>G on transcript NM_000091.5 (MANE Select); 15 bases into the intron before coding-DNA position 1576, T replaced by G.
Molecular consequence: intron variant.
Genome position (GRCh38, 1-based): chr2:227,270,755, T>G. VCF-style: chr2-227270755-T-G. GRCh37 (hg19) VCF-style: chr2-228135471-T-G.
Identifiers: ClinVar variation 254984 (VCV000254984.25), dbSNP rs56243460, ClinGen allele CA2146716.

ClinVar aggregate classification (germline): Benign. Review status: criteria provided, multiple submitters, no conflicts (2 of 4 stars). 8 submissions from 8 submitters: Benign (8). Last evaluated 2026-02-04.

Conditions:
Alport syndrome. Also called: Hemorrhagic familial nephritis; Hemorrhagic hereditary nephritis; Congenital hereditary hematuria. Identifiers: Orphanet 63, MedGen C1567741, MONDO:0018965.
Autosomal recessive Alport syndrome (ATS2). Also called: COL4A3-Related Nephropathy; ALPORT SYNDROME 2, AUTOSOMAL RECESSIVE; COL4A4 Alport Syndrome and Thin Basement Membrane Nephropathy; Alport syndrome type 2. Identifiers: Orphanet 63, Orphanet 88919, MedGen C4746745, MONDO:0008762, OMIM 203780.

Allele frequency attached by ClinVar (database versions not stated): gnomAD exomes 0.03757 and 0.04597; 1000 Genomes Project 0.04273; 1000 Genomes Project 30x 0.04513; ExAC 0.04552; ESP Exome Variant Server 0.05321; TOPMed 0.05915; gnomAD 0.06082 and 0.06412.
gnomAD v4.1: 64,044 of 1,611,610 alleles (4%); highest among the groups gnomAD compares: African/African-American, 11%; 1,779 homozygotes.

Submissions (34):

Labcorp Genetics (formerly Invitae), Labcorp
Classification: Benign. Last evaluated: 2026-02-04. Review status: criteria provided, single submitter. Criteria: Invitae Variant Classification Sherloc (09022015). Collection method: clinical testing. Allele origin: germline.

Blueprint Genetics
Classification: Benign. Last evaluated: 2024-11-26. Review status: criteria provided, single submitter. Criteria: ACMG Guidelines, 2015. Collection method: clinical testing. Allele origin: germline.

Genome-Nilou Lab
Classification: Benign for Autosomal recessive Alport syndrome. Last evaluated: 2021-06-10. Review status: criteria provided, single submitter. Criteria: ACMG Guidelines, 2015. Collection method: clinical testing. Allele origin: germline. Affected: no.

GeneDx
Classification: Benign. Last evaluated: 2018-06-29. Review status: criteria provided, single submitter. Criteria: GeneDx Variant Classification Process June 2021. Collection method: clinical testing. Allele origin: germline. Affected: yes.

Illumina Laboratory Services, Illumina
Classification: Benign for Alport syndrome. Last evaluated: 2018-01-13. Review status: criteria provided, single submitter. Criteria: ICSL Variant Classification Criteria 13 December 2019. Collection method: clinical testing. Allele origin: germline.
Comment: This variant was observed in the ICSL laboratory as part of a predisposition screen in an ostensibly healthy population. It had not been previously curated by ICSL or reported in the Human Gene Mutation Database (HGMD: prior to June 1st, 2018), and was therefore a candidate for classification through an automated scoring system. Utilizing variant allele frequency, disease prevalence and penetrance estimates, and inheritance mode, an automated score was calculated to assess if this variant is too frequent to cause the disease. Based on the score and internal cut-off values, a variant classified as benign is not then subjected to further curation. The score for this variant resulted in a classification of benign for this disease.

Laboratory for Molecular Medicine, Mass General Brigham Personalized Medicine
Classification: Benign. Last evaluated: 2016-03-21. Review status: criteria provided, single submitter. Criteria: LMM Criteria. Collection method: clinical testing. Allele origin: germline. Observed: 27 variant alleles.
Comment: c.1576-15T>G in intron 24 of COL4A3: This variant is not expected to have clinic al significance because it has been identified in 10.86% (1054/9706) of African chromosomes by the Exome Aggregation Consortium (ExAC; dbSNP rs56243460).

Breakthrough Genomics
Classification: Benign. Review status: criteria provided, single submitter. Criteria: ACMG Guidelines, 2015. Collection method: not provided. Allele origin: germline. Inheritance: Autosomal recessive inheritance. Affected: yes.

PreventionGenetics, part of Exact Sciences
Classification: Benign. Review status: criteria provided, single submitter. Criteria: ACMG Guidelines, 2015. Collection method: clinical testing. Allele origin: germline.

Dr. Peter K. Rogan Lab, Western University
No classification provided (evidence only). Condition: Acute myeloid leukemia. Review status: no classification provided. Collection method: in vitro. Allele origin: not applicable. Functional consequence: retained intron. Not counted in ClinVar's aggregate classification.

Dr. Peter K. Rogan Lab, Western University
No classification provided (evidence only). Condition: Acute myeloid leukemia. Review status: no classification provided. Collection method: in vitro. Allele origin: not applicable. Functional consequence: retained intron. Not counted in ClinVar's aggregate classification.

Dr. Peter K. Rogan Lab, Western University
No classification provided (evidence only). Condition: Acute myeloid leukemia. Review status: no classification provided. Collection method: in vitro. Allele origin: not applicable. Functional consequence: retained intron. Not counted in ClinVar's aggregate classification.

Dr. Peter K. Rogan Lab, Western University
No classification provided (evidence only). Condition: Acute myeloid leukemia. Review status: no classification provided. Collection method: in vitro. Allele origin: not applicable. Functional consequence: retained intron. Not counted in ClinVar's aggregate classification.

Dr. Peter K. Rogan Lab, Western University
No classification provided (evidence only). Condition: Acute myeloid leukemia. Review status: no classification provided. Collection method: in vitro. Allele origin: not applicable. Functional consequence: retained intron. Not counted in ClinVar's aggregate classification.

Dr. Peter K. Rogan Lab, Western University
No classification provided (evidence only). Condition: Acute myeloid leukemia. Review status: no classification provided. Collection method: in vitro. Allele origin: not applicable. Functional consequence: retained intron. Not counted in ClinVar's aggregate classification.

Dr. Peter K. Rogan Lab, Western University
No classification provided (evidence only). Condition: Acute myeloid leukemia. Review status: no classification provided. Collection method: in vitro. Allele origin: not applicable. Functional consequence: retained intron. Not counted in ClinVar's aggregate classification.

Dr. Peter K. Rogan Lab, Western University
No classification provided (evidence only). Condition: Acute myeloid leukemia. Review status: no classification provided. Collection method: in vitro. Allele origin: not applicable. Functional consequence: retained intron. Not counted in ClinVar's aggregate classification.

Dr. Peter K. Rogan Lab, Western University
No classification provided (evidence only). Condition: Acute myeloid leukemia. Review status: no classification provided. Collection method: in vitro. Allele origin: not applicable. Functional consequence: retained intron. Not counted in ClinVar's aggregate classification.

Dr. Peter K. Rogan Lab, Western University
No classification provided (evidence only). Condition: Acute myeloid leukemia. Review status: no classification provided. Collection method: in vitro. Allele origin: not applicable. Functional consequence: retained intron. Not counted in ClinVar's aggregate classification.

Dr. Peter K. Rogan Lab, Western University
No classification provided (evidence only). Condition: Thymoma. Review status: no classification provided. Collection method: in vitro. Allele origin: not applicable. Functional consequence: retained intron. Not counted in ClinVar's aggregate classification.

Dr. Peter K. Rogan Lab, Western University
No classification provided (evidence only). Condition: Thymoma. Review status: no classification provided. Collection method: in vitro. Allele origin: not applicable. Functional consequence: retained intron. Not counted in ClinVar's aggregate classification.

Dr. Peter K. Rogan Lab, Western University
No classification provided (evidence only). Condition: Ovarian serous cystadenocarcinoma. Review status: no classification provided. Collection method: in vitro. Allele origin: not applicable. Functional consequence: retained intron. Not counted in ClinVar's aggregate classification.

Dr. Peter K. Rogan Lab, Western University
No classification provided (evidence only). Condition: Ovarian serous cystadenocarcinoma. Review status: no classification provided. Collection method: in vitro. Allele origin: not applicable. Functional consequence: retained intron. Not counted in ClinVar's aggregate classification.

Dr. Peter K. Rogan Lab, Western University
No classification provided (evidence only). Condition: Chronic lymphocytic leukemia/small lymphocytic lymphoma. Review status: no classification provided. Collection method: in vitro. Allele origin: not applicable. Functional consequence: skipped exon, retained intron. Not counted in ClinVar's aggregate classification.

Dr. Peter K. Rogan Lab, Western University
No classification provided (evidence only). Condition: Chronic lymphocytic leukemia/small lymphocytic lymphoma. Review status: no classification provided. Collection method: in vitro. Allele origin: not applicable. Functional consequence: skipped exon, retained intron. Not counted in ClinVar's aggregate classification.

Dr. Peter K. Rogan Lab, Western University
No classification provided (evidence only). Condition: Chronic lymphocytic leukemia/small lymphocytic lymphoma. Review status: no classification provided. Collection method: in vitro. Allele origin: not applicable. Functional consequence: retained intron. Not counted in ClinVar's aggregate classification.

Dr. Peter K. Rogan Lab, Western University
No classification provided (evidence only). Condition: Chronic lymphocytic leukemia/small lymphocytic lymphoma. Review status: no classification provided. Collection method: in vitro. Allele origin: not applicable. Functional consequence: retained intron. Not counted in ClinVar's aggregate classification.

Dr. Peter K. Rogan Lab, Western University
No classification provided (evidence only). Condition: Nonpapillary renal cell carcinoma. Review status: no classification provided. Collection method: in vitro. Allele origin: not applicable. Functional consequence: retained intron. Not counted in ClinVar's aggregate classification.

Dr. Peter K. Rogan Lab, Western University
No classification provided (evidence only). Condition: Nonpapillary renal cell carcinoma. Review status: no classification provided. Collection method: in vitro. Allele origin: not applicable. Functional consequence: retained intron. Not counted in ClinVar's aggregate classification.

Dr. Peter K. Rogan Lab, Western University
No classification provided (evidence only). Condition: Nonpapillary renal cell carcinoma. Review status: no classification provided. Collection method: in vitro. Allele origin: not applicable. Functional consequence: retained intron. Not counted in ClinVar's aggregate classification.

Dr. Peter K. Rogan Lab, Western University
No classification provided (evidence only). Condition: Familial pancreatic carcinoma. Review status: no classification provided. Collection method: in vitro. Allele origin: not applicable. Functional consequence: retained intron. Not counted in ClinVar's aggregate classification.

Dr. Peter K. Rogan Lab, Western University
No classification provided (evidence only). Condition: Familial pancreatic carcinoma. Review status: no classification provided. Collection method: in vitro. Allele origin: not applicable. Functional consequence: retained intron. Not counted in ClinVar's aggregate classification.

Dr. Peter K. Rogan Lab, Western University
No classification provided (evidence only). Condition: Familial pancreatic carcinoma. Review status: no classification provided. Collection method: in vitro. Allele origin: not applicable. Functional consequence: retained intron. Not counted in ClinVar's aggregate classification.

Dr. Peter K. Rogan Lab, Western University
No classification provided (evidence only). Condition: Lymphoma. Review status: no classification provided. Collection method: in vitro. Allele origin: not applicable. Functional consequence: skipped exon, retained intron. Not counted in ClinVar's aggregate classification.

Dr. Peter K. Rogan Lab, Western University
No classification provided (evidence only). Condition: Lymphoma. Review status: no classification provided. Collection method: in vitro. Allele origin: not applicable. Functional consequence: retained intron. Not counted in ClinVar's aggregate classification.